The following is an entry in ClinVar:

NC_000009.12:g.(?_21968219)_(21994341_?)del

Genes: CDKN2A (cyclin dependent kinase inhibitor 2A; minus strand), LOC130001603 (ATAC-STARR-seq lymphoblastoid silent region 19811; plus strand), LOC130001604 (ATAC-STARR-seq lymphoblastoid silent region 19812; plus strand), LOC130001605 (ATAC-STARR-seq lymphoblastoid active region 28244; plus strand). Cytogenetic location: 9p21.3.
Variant type: Deletion.
Identifiers: ClinVar variation 583687 (VCV000583687.2).

ClinVar aggregate classification (germline): Pathogenic (1 of 4 stars; one submission).

Conditions:
Familial melanoma. Also called: Hereditary melanoma; Hereditary cutaneous melanoma. Identifiers: Orphanet 618, MedGen C1512419, MONDO:0018961.

Submission:

Labcorp Genetics (formerly Invitae), Labcorp
Classification: Pathogenic for Familial melanoma. Last evaluated: 2021-06-21. Review status: criteria provided, single submitter. Criteria: Invitae Variant Classification Sherloc (09022015). Collection method: clinical testing. Allele origin: germline.
Comment: The CDKN2A gene encodes two different proteins, p16INK4a and p14ARF, which are translated from alternative transcripts that have different open reading frames. This variant is a gross deletion of the entire CDKN2A genomic region, encompassing all exons of the p16INK4a and p14ARF transcripts. The boundaries of this event are unknown as the deletion extends beyond the assayed region for these transcripts and therefore may encompass additional genes. This is expected to result in absent p16INK4a and p14ARF protein products. Similar gross deletions encompassing both of the CDKN2A (p16INK4a and p14ARF) coding sequences have been reported to segregate with melanoma and nervous system tumors in two independent families (PMID: 9622062). Loss-of-function variants in CDKN2A are known to be pathogenic (PMID: 15146471). For these reasons, this variant has been classified as Pathogenic. The evidence indicates that this variant confers risk of developing both CDKN2A (p16INK4a)-associated and (p14ARF)-associated conditions.

Literature cited by the submitters: PubMed 9622062; PubMed 15146471.